The following is an entry in ClinVar:

NM_002634.4(PHB1):c.456C>T (p.Asp152=)

Gene: PHB1 (prohibitin 1; minus strand). Cytogenetic location: 17q21.33.
Variant type: single nucleotide variant.
Coding change: c.456C>T on transcript NM_002634.4 (MANE Select); coding-DNA position 456, C replaced by T.
Protein change: p.Asp152=; no amino-acid change (aspartic acid 152 retained).
Molecular consequence: synonymous variant. On other transcripts: intron variant (1).
Genome position (GRCh38, 1-based): chr17:49,409,096, G>A on the plus strand (C>T on the coding strand, the complement: PHB1 is on the minus strand). VCF-style: chr17-49409096-G-A. GRCh37 (hg19) VCF-style: chr17-47486458-G-A.
Other names: c.456C>T, p.Asp152= (NM_001281496.2, NM_001281715.2); c.417+39C>T (NM_001281497.2).
Identifiers: ClinVar variation 3047679 (VCV003047679.2), dbSNP rs530616891, ClinGen allele CA8638279.
Genomic context (GRCh38, chr17:49,409,096, plus strand): 5'-TCTTACCAAGGACACGTCATCCAGGATGAGCCCAAAGGTGGCGGCTCGCTCTGTAAGGTC[G>A]TCGCTCACCTGCCTGGAGACCAGCTCTCTCTGGGTGATTAGTTCTCCAGCATCAAAGCGA-3'
Protein context (NP_002625.1, residues 142-162): QRELVSRQVS[Asp152=]DLTERAATFG

ClinVar aggregate classification (germline): Likely benign (0 of 4 stars; one submission).

Conditions:
PHB1-related disorder. Also called: PHB1-related condition.

Allele frequency attached by ClinVar (database versions not stated): gnomAD 0.00001; gnomAD exomes 0.00001; TOPMed 0.00003; ExAC 0.00007; 1000 Genomes Project 30x 0.00016; 1000 Genomes Project 0.00020.
gnomAD v4.1: 16 of 1,613,642 alleles (0.00099%); highest among the groups gnomAD compares: East Asian, 0.013%; no homozygotes.

Submission:

PreventionGenetics, part of Exact Sciences
Classification: Likely benign for PHB1-related condition. Last evaluated: 2019-03-20. Review status: no assertion criteria provided. Collection method: clinical testing. Allele origin: germline.
Comment: This variant is classified as likely benign based on ACMG/AMP sequence variant interpretation guidelines (Richards et al. 2015 PMID: 25741868, with internal and published modifications).